The following is an entry in ClinVar:

ClinVar aggregate classification (germline): Benign. Review status: criteria provided, multiple submitters, no conflicts (2 of 4 stars). 4 submissions from 4 submitters: Benign (4). Last evaluated 2025-06-01.

Conditions:
ESR1-related disorder. Also called: ESR1-related condition.

Allele frequency attached by ClinVar (database versions not stated): gnomAD exomes 0.00058 and 0.00178; ExAC 0.00213; gnomAD 0.00578 and 0.00629; 1000 Genomes Project 30x 0.00640; TOPMed 0.00658; 1000 Genomes Project 0.00659; ESP Exome Variant Server 0.00746.
gnomAD v4.1: 1,781 of 1,614,184 alleles (0.11%); highest among the groups gnomAD compares: African/African-American, 2.1%; 17 homozygotes.

Submissions (4):

CeGaT Center for Human Genetics Tuebingen
Classification: Benign. Last evaluated: 2025-06-01. Review status: criteria provided, single submitter. Criteria: CeGaT Center For Human Genetics Tuebingen Variant Classification Criteria Version 2. Collection method: clinical testing. Allele origin: germline. Affected: yes. Observed: 1 variant allele.
Comment: ESR1: BP4, BP7, BS1, BS2

PreventionGenetics, part of Exact Sciences
Classification: Benign for ESR1-related condition. Last evaluated: 2024-10-07. Review status: criteria provided, single submitter. Criteria: ACMG Guidelines, 2015. Collection method: clinical testing. Allele origin: germline.
Comment: This variant is classified as benign based on ACMG/AMP sequence variant interpretation guidelines (Richards et al. 2015 PMID: 25741868, with internal and published modifications).

GeneDx
Classification: Benign. Last evaluated: 2021-05-25. Review status: criteria provided, single submitter. Criteria: GeneDx Variant Classification Process June 2021. Collection method: clinical testing. Allele origin: germline. Affected: yes.

Labcorp Genetics (formerly Invitae), Labcorp
Classification: Benign. Last evaluated: 2019-12-31. Review status: criteria provided, single submitter. Criteria: Invitae Variant Classification Sherloc (09022015). Collection method: clinical testing. Allele origin: germline.

NM_000125.4(ESR1):c.1674A>G (p.Ala558=)

Gene: ESR1 (estrogen receptor 1; plus strand). Cytogenetic location: 6q25.1.
Variant type: single nucleotide variant.
Coding change: c.1674A>G on transcript NM_000125.4 (MANE Select); coding-DNA position 1674, A replaced by G.
Protein change: p.Ala558=; no amino-acid change (alanine 558 retained).
Molecular consequence: synonymous variant. On other transcripts: 3 prime UTR variant (3), intron variant (1).
Genome position (GRCh38, 1-based): chr6:152,098,852, A>G. VCF-style: chr6-152098852-A-G. GRCh37 (hg19) VCF-style: chr6-152419987-A-G.
Other names: c.1674A>G, p.Ala558= (NM_001122740.2, NM_001122741.2, NM_001122742.2 and 2 more transcripts); c.1680A>G, p.Ala560= (NM_001291230.2); c.1671A>G, p.Ala557= (NM_001291241.2); c.*89A>G (NM_001385570.1, NM_001385571.1, NM_001385572.1); c.851-26414A>G (NM_001328100.2).
Identifiers: ClinVar variation 787838 (VCV000787838.15), dbSNP rs9341068, ClinGen allele CA4052517.